The following is an entry in ClinVar:

NM_002184.4(IL6ST):c.1520C>T (p.Pro507Leu)

Gene: IL6ST (interleukin 6 cytokine family signal transducer; minus strand). Cytogenetic location: 5q11.2.
Variant type: single nucleotide variant.
Coding change: c.1520C>T on transcript NM_002184.4 (MANE Select); coding-DNA position 1520, C replaced by T.
Protein change: p.Pro507Leu; replaces proline 507 with leucine.
Molecular consequence: missense variant. On other transcripts: 3 prime UTR variant (1), non-coding transcript variant (2), intron variant (1).
Genome position (GRCh38, 1-based): chr5:55,952,282, G>A on the plus strand (C>T on the coding strand, the complement: IL6ST is on the minus strand). VCF-style: chr5-55952282-G-A. GRCh37 (hg19) VCF-style: chr5-55248110-G-A.
Other names: c.1337C>T, p.Pro446Leu (NM_001190981.2); c.1310C>T, p.Pro437Leu (NM_001364276.2); c.653C>T, p.Pro218Leu (NM_001364277.2); c.617C>T, p.Pro206Leu (NM_001364278.2); c.524C>T, p.Pro175Leu (NM_001364279.2); c.*447C>T (NM_175767.3); c.1451-207C>T (NM_001364275.2); short protein forms P175L, P206L, P218L, P437L, P446L, P507L.
Identifiers: ClinVar variation 2636511 (VCV002636511.3), dbSNP rs768006329, ClinGen allele CA3271394.

ClinVar aggregate classification (germline): Uncertain significance. Review status: criteria provided, multiple submitters, no conflicts (2 of 4 stars). 2 submissions from 2 submitters: Uncertain significance (2). Last evaluated 2024-08-17.

Conditions:
IL6ST-related disorder. Also called: IL6ST-related condition.

Allele frequency attached by ClinVar (database versions not stated): gnomAD 0.00001; ExAC 0.00002.
gnomAD v4.1: 17 of 1,610,626 alleles (0.0011%); highest among the groups gnomAD compares: Admixed American, 0.0033%; no homozygotes.

Submissions (2):

Labcorp Genetics (formerly Invitae), Labcorp
Classification: Uncertain significance. Last evaluated: 2024-08-17. Review status: criteria provided, single submitter. Criteria: Invitae Variant Classification Sherloc (09022015). Collection method: clinical testing. Allele origin: germline.
Comment: This sequence change replaces proline, which is neutral and non-polar, with leucine, which is neutral and non-polar, at codon 507 of the IL6ST protein (p.Pro507Leu). This variant is present in population databases (rs768006329, gnomAD 0.006%). This variant has not been reported in the literature in individuals affected with IL6ST-related conditions. ClinVar contains an entry for this variant (Variation ID: 2636511). An algorithm developed to predict the effect of missense changes on protein structure and function (PolyPhen-2) suggests that this variant is likely to be tolerated. In summary, the available evidence is currently insufficient to determine the role of this variant in disease. Therefore, it has been classified as a Variant of Uncertain Significance.

PreventionGenetics, part of Exact Sciences
Classification: Uncertain significance for IL6ST-related condition. Last evaluated: 2022-12-21. Review status: criteria provided, single submitter. Criteria: ACMG Guidelines, 2015. Collection method: clinical testing. Allele origin: germline.
Comment: The IL6ST c.1520C>T variant is predicted to result in the amino acid substitution p.Pro507Leu. To our knowledge, this variant has not been reported in the literature. This variant is reported in 0.0057% of alleles in individuals of Latino descent in gnomAD. At this time, the clinical significance of this variant is uncertain due to the absence of conclusive functional and genetic evidence.